The following is an entry in ClinVar:

ClinVar aggregate classification (germline): Uncertain significance (1 of 4 stars; one submission).

Conditions:
Tuberous sclerosis 1 (TSC1). Identifiers: Orphanet 805, MedGen C1854465, MONDO:0008612, OMIM 191100.

Submission:

Labcorp Genetics (formerly Invitae), Labcorp
Classification: Uncertain significance for Tuberous sclerosis 1. Last evaluated: 2023-03-13. Review status: criteria provided, single submitter. Criteria: Invitae Variant Classification Sherloc (09022015). Collection method: clinical testing. Allele origin: germline.
Comment: In summary, the available evidence is currently insufficient to determine the role of this variant in disease. Therefore, it has been classified as a Variant of Uncertain Significance. Advanced modeling of protein sequence and biophysical properties (such as structural, functional, and spatial information, amino acid conservation, physicochemical variation, residue mobility, and thermodynamic stability) performed at Invitae indicates that this missense variant is not expected to disrupt TSC1 protein function. This variant has not been reported in the literature in individuals affected with TSC1-related conditions. This variant is not present in population databases (gnomAD no frequency). This sequence change replaces cysteine, which is neutral and slightly polar, with tryptophan, which is neutral and slightly polar, at codon 586 of the TSC1 protein (p.Cys586Trp).

NM_000368.5(TSC1):c.1758T>G (p.Cys586Trp)

Gene: TSC1 (TSC complex subunit 1; minus strand). Cytogenetic location: 9q34.13.
Variant type: single nucleotide variant.
Coding change: c.1758T>G on transcript NM_000368.5 (MANE Select); coding-DNA position 1758, T replaced by G.
Protein change: p.Cys586Trp; replaces cysteine 586 with tryptophan.
Molecular consequence: missense variant. On other transcripts: non-coding transcript variant (5).
Genome position (GRCh38, 1-based): chr9:132,905,820, A>C on the plus strand (T>G on the coding strand, the complement: TSC1 is on the minus strand). VCF-style: chr9-132905820-A-C. GRCh37 (hg19) VCF-style: chr9-135781207-A-C.
Other names: c.1758T>G, p.Cys586Trp (NM_001406602.1, NM_001406605.1, NM_001406606.1 and 7 more transcripts); c.1755T>G, p.Cys585Trp (NM_001406603.1, NM_001406604.1, NM_001406608.1 and 6 more transcripts); c.1605T>G, p.Cys535Trp (NM_001406610.1, NM_001162427.2); c.1602T>G, p.Cys534Trp (NM_001406611.1, NM_001406612.1, NM_001406613.1); c.1392T>G, p.Cys464Trp (NM_001406621.1, NM_001406622.1, NM_001406623.1 and 2 more transcripts); c.1395T>G, p.Cys465Trp (NM_001406624.1, NM_001362177.2, NM_001406614.1 and 5 more transcripts); c.807T>G, p.Cys269Trp (NM_001406626.1); c.804T>G, p.Cys268Trp (NM_001406627.1, NM_001406628.1); and 1 more; short protein forms C235W, C268W, C586W, C465W, C534W, C585W, C269W, C464W.
Identifiers: ClinVar variation 2845397 (VCV002845397.3), dbSNP rs1301051974, ClinGen allele CA375363750.
Genomic context (GRCh38, chr9:132,905,820, plus strand): 5'-ATGATCATACGGGGGAGGCTGCCCGCTTCCAAAGCCCACTCTCGTCGGAGGTGGAATTTT[A>C]CAAGGACTGGGAGTGAAGATACTGGTCTCCAAAGAAGTCTGGCATTCCCTGTCTCCCGCA-3'
Protein context (NP_000359.1, residues 576-596): LETSIFTPSP[Cys586Trp]KIPPPTRVGF